The following is an entry in ClinVar:

NM_018646.6(TRPV6):c.2056C>T (p.Arg686Cys)

Gene: TRPV6 (transient receptor potential cation channel subfamily V member 6; minus strand). Cytogenetic location: 7q34.
Variant type: single nucleotide variant.
Coding change: c.2056C>T on transcript NM_018646.6 (MANE Select); coding-DNA position 2056, C replaced by T.
Protein change: p.Arg686Cys; replaces arginine 686 with cysteine.
Molecular consequence: missense variant.
Genome position (GRCh38, 1-based): chr7:142,871,949, G>A on the plus strand (C>T on the coding strand, the complement: TRPV6 is on the minus strand). VCF-style: chr7-142871949-G-A. GRCh37 (hg19) VCF-style: chr7-142569702-G-A.
Other names: short protein forms R686C.
Identifiers: ClinVar variation 3710487 (VCV003710487.2).

ClinVar aggregate classification (germline): Uncertain significance (1 of 4 stars; one submission).

gnomAD v4.1: 26 of 1,609,860 alleles (0.0016%); highest among the groups gnomAD compares: Non-Finnish European, 0.002%; no homozygotes.

Submission:

Labcorp Genetics (formerly Invitae), Labcorp
Classification: Uncertain significance. Last evaluated: 2025-09-24. Review status: criteria provided, single submitter. Criteria: Invitae Variant Classification Sherloc (09022015). Collection method: clinical testing. Allele origin: germline.
Comment: This sequence change replaces arginine, which is basic and polar, with cysteine, which is neutral and slightly polar, at codon 686 of the TRPV6 protein (p.Arg686Cys). This variant is present in population databases (rs763838443, gnomAD 0.003%). This variant has not been reported in the literature in individuals affected with TRPV6-related conditions. ClinVar contains an entry for this variant (Variation ID: 3710487). Experimental studies and prediction algorithms are not available or were not evaluated, and the functional significance of this variant is currently unknown. In summary, the available evidence is currently insufficient to determine the role of this variant in disease. Therefore, it has been classified as a Variant of Uncertain Significance.